The following is an entry in ClinVar:

NM_005228.5(EGFR):c.1682A>T (p.Glu561Val)

Gene: EGFR (epidermal growth factor receptor; plus strand). Cytogenetic location: 7p11.2.
Variant type: single nucleotide variant.
Coding change: c.1682A>T on transcript NM_005228.5 (MANE Select); coding-DNA position 1682, A replaced by T.
Protein change: p.Glu561Val; replaces glutamic acid 561 with valine.
Molecular consequence: missense variant.
Genome position (GRCh38, 1-based): chr7:55,163,783, A>T. VCF-style: chr7-55163783-A-T. GRCh37 (hg19) VCF-style: chr7-55231476-A-T.
Other names: c.1547A>T, p.Glu516Val (NM_001346897.2, NM_001346899.2); c.1682A>T, p.Glu561Val (NM_001346898.2, NM_201282.2, NM_201284.2); c.1523A>T, p.Glu508Val (NM_001346900.2); c.881A>T, p.Glu294Val (NM_001346941.2); short protein forms E508V, E516V, E561V, E294V.
Identifiers: ClinVar variation 4247363 (VCV004247363.1).
Genomic context (GRCh38, chr7:55,163,783, plus strand): 5'-CTCCTCTCAGTGAGCCAAGGGAGTTTGTGGAGAACTCTGAGTGCATACAGTGCCACCCAG[A>T]GTGCCTGCCTCAGGCCATGAACATCACCTGCACAGGACGGGTAAGAGCCCCTTGCTGCTA-3'
Protein context (NP_005219.2, residues 551-571): ENSECIQCHP[Glu561Val]CLPQAMNITC

ClinVar aggregate classification (germline): Uncertain significance (1 of 4 stars; one submission).

Conditions:
Hereditary cancer-predisposing syndrome. Also called: Hereditary Cancer Syndrome; Hereditary neoplastic syndrome; Neoplastic Syndromes, Hereditary; Tumor predisposition. Identifiers: Orphanet 140162, MedGen C0027672, MeSH D009386, MONDO:0015356.

Submission:

Ambry Genetics
Classification: Uncertain significance for Hereditary cancer-predisposing syndrome. Last evaluated: 2025-08-31. Review status: criteria provided, single submitter. Criteria: Ambry Variant Classification Scheme 2023. Collection method: clinical testing. Allele origin: germline.
Comment: The p.E561V variant (also known as c.1682A>T), located in coding exon 14 of the EGFR gene, results from an A to T substitution at nucleotide position 1682. The glutamic acid at codon 561 is replaced by valine, an amino acid with dissimilar properties. This amino acid position is conserved. In addition, this alteration is predicted to be deleterious by in silico analysis. Based on the available evidence, the clinical significance of this variant remains unclear.